The following is an entry in ClinVar:

ClinVar aggregate classification (germline): Benign. Review status: criteria provided, multiple submitters, no conflicts (2 of 4 stars). 2 submissions from 2 submitters: Benign (2). Last evaluated 2026-09-01.

Allele frequency attached by ClinVar (database versions not stated): 1000 Genomes Project 0.00319; TOPMed 0.00348; 1000 Genomes Project 30x 0.00359; gnomAD 0.00360; ESP Exome Variant Server 0.00477; ExAC 0.00563.

Submissions (2):

CeGaT Center for Human Genetics Tuebingen
Classification: Benign. Last evaluated: 2026-09-01. Review status: criteria provided, single submitter. Criteria: CeGaT Center For Human Genetics Tuebingen Variant Classification Criteria Version 2. Collection method: clinical testing. Allele origin: germline. Affected: yes. Observed: 7 variant alleles.
Comment: HCN2: BP4, BS1, BS2

Labcorp Genetics (formerly Invitae), Labcorp
Classification: Benign. Last evaluated: 2019-12-31. Review status: criteria provided, single submitter. Criteria: Invitae Variant Classification Sherloc (09022015). Collection method: clinical testing. Allele origin: germline.

NM_001194.4(HCN2):c.1991-4G>T

Gene: HCN2 (hyperpolarization activated cyclic nucleotide gated potassium and sodium channel 2; plus strand). Cytogenetic location: 19p13.3.
Variant type: single nucleotide variant.
Coding change: c.1991-4G>T on transcript NM_001194.4 (MANE Select); 4 bases into the intron before coding-DNA position 1991, G replaced by T.
Molecular consequence: intron variant.
Genome position (GRCh38, 1-based): chr19:615,791, G>T. VCF-style: chr19-615791-G-T. GRCh37 (hg19) VCF-style: chr19-615791-G-T.
Identifiers: ClinVar variation 789106 (VCV000789106.10), dbSNP rs56124245, ClinGen allele CA9018793.